The following is an entry in ClinVar:

ClinVar aggregate classification (germline): Conflicting classifications of pathogenicity. Review status: criteria provided, conflicting classifications (1 of 4 stars). 3 submissions from 3 submitters: Uncertain significance (1); Likely benign (2). Last evaluated 2025-07-07.

Conditions:
RYR1-related disorder. Also called: RYR1-related disorders; RYR1-related condition. Identifiers: MedGen CN239331.
Malignant hyperthermia, susceptibility to, 1 (MHS1). Also called: Anesthesia related hyperthermia; Malignant hyperpyrexia; Fulminating hyperpyrexia; Pharmacogenic myopathy; RYR1-Related Malignant Hyperthermia Susceptibility; Malignant hyperthermia suceptibility 1. Identifiers: Orphanet 423, MedGen C2930980, MONDO:0007783, OMIM 145600.

Allele frequency attached by ClinVar (database versions not stated): gnomAD exomes below 0.00001; gnomAD 0.00001; TOPMed 0.00001.
gnomAD v4.1: 9 of 1,613,912 alleles (0.00056%); highest among the groups gnomAD compares: South Asian, 0.0011%; no homozygotes.

Submissions (3):

Color Diagnostics, LLC DBA Color Health
Classification: Likely benign for Malignant hyperthermia, susceptibility to, 1. Last evaluated: 2025-07-07. Review status: criteria provided, single submitter. Criteria: ACMG Guidelines, 2015. Collection method: clinical testing. Allele origin: germline.

Labcorp Genetics (formerly Invitae), Labcorp
Classification: Likely benign for RYR1-related disorder. Last evaluated: 2023-12-30. Review status: criteria provided, single submitter. Criteria: Invitae Variant Classification Sherloc (09022015). Collection method: clinical testing. Allele origin: germline.

All of Us Research Program, National Institutes of Health
Classification: Uncertain significance for Malignant hyperthermia, susceptibility to, 1. Last evaluated: 2023-10-02. Review status: criteria provided, single submitter. Criteria: ACMG Guidelines, 2015. Collection method: clinical testing. Allele origin: germline. Inheritance: Autosomal dominant inheritance. Observed: 2 variant alleles, 2 heterozygotes.
Comment: This variant is located in the RYR1 protein. To our knowledge, functional studies have not been reported for this variant. This variant has not been reported in individuals affected with RYR1-related disorders in the literature. This variant has not been identified in the general population by the Genome Aggregation Database (gnomAD). The available evidence is insufficient to determine the role of this variant in disease conclusively. Therefore, this variant is classified as a Variant of Uncertain Significance.

This study involves interpretation of variants in research participants for the purpose of population health screening. Participant phenotype was not available at the time of variant classification. Additional details can be found in publication PMID: 35346344, PMCID: PMC8962531

NM_000540.3(RYR1):c.14073G>A (p.Glu4691=)

Gene: RYR1 (ryanodine receptor 1; plus strand). Cytogenetic location: 19q13.2.
Variant type: single nucleotide variant.
Coding change: c.14073G>A on transcript NM_000540.3 (MANE Select); coding-DNA position 14073, G replaced by A.
Protein change: p.Glu4691=; no amino-acid change (glutamic acid 4691 retained).
Molecular consequence: synonymous variant.
Genome position (GRCh38, 1-based): chr19:38,573,251, G>A. VCF-style: chr19-38573251-G-A. GRCh37 (hg19) VCF-style: chr19-39063891-G-A.
Other names: c.14058G>A, p.Glu4686= (NM_001042723.2).
Identifiers: ClinVar variation 1906510 (VCV001906510.6), dbSNP rs1450888449, ClinGen allele CA081079.